The following is an entry in ClinVar:

ClinVar aggregate classification (germline): Benign (1 of 4 stars; one submission).

Conditions:
Tay-Sachs disease, variant AB. Also called: GM2 Activator Deficiency; Gm2-gangliosidosis, ab variant. Identifiers: Orphanet 309246, MedGen C0268275, MONDO:0010099, OMIM 272750.

Allele frequency attached by ClinVar (database versions not stated): gnomAD exomes 0.06173; gnomAD 0.11779 and 0.11816; 1000 Genomes Project 30x 0.17755; TOPMed 0.12764; 1000 Genomes Project 0.17232.
gnomAD v4.1: 33,736 of 405,586 alleles (8.3%); highest among the groups gnomAD compares: African/African-American, 28%; 2,992 homozygotes.

Submission:

Illumina Laboratory Services, Illumina
Classification: Benign for Tay-Sachs disease, variant AB. Last evaluated: 2018-01-13. Review status: criteria provided, single submitter. Criteria: ICSL Variant Classification Criteria 13 December 2019. Collection method: clinical testing. Allele origin: germline.
Comment: This variant was observed in the ICSL laboratory as part of a predisposition screen in an ostensibly healthy population. It had not been previously curated by ICSL or reported in the Human Gene Mutation Database (HGMD: prior to June 1st, 2018), and was therefore a candidate for classification through an automated scoring system. Utilizing variant allele frequency, disease prevalence and penetrance estimates, and inheritance mode, an automated score was calculated to assess if this variant is too frequent to cause the disease. Based on the score and internal cut-off values, a variant classified as benign is not then subjected to further curation. The score for this variant resulted in a classification of benign for this disease.

NM_000405.5(GM2A):c.*2849G>A

Gene: GM2A (ganglioside GM2 activator; plus strand). Cytogenetic location: 5q33.1.
Variant type: single nucleotide variant.
Coding change: c.*2849G>A on transcript NM_000405.5 (MANE Select); 2849 bases downstream of the stop codon, G replaced by A.
Molecular consequence: 3 prime UTR variant.
Genome position (GRCh38, 1-based): chr5:151,270,300, G>A. VCF-style: chr5-151270300-G-A. GRCh37 (hg19) VCF-style: chr5-150649861-G-A.
Other names: c.*2660G>A (NM_001167607.3).
Identifiers: ClinVar variation 352303 (VCV000352303.5), dbSNP rs10076053, ClinGen allele CA10619769.